The following is an entry in ClinVar:

NM_001261826.3(AP3D1):c.1896G>A (p.Ser632=)

Gene: AP3D1 (adaptor related protein complex 3 subunit delta 1; minus strand). Cytogenetic location: 19p13.3.
Variant type: single nucleotide variant.
Coding change: c.1896G>A on transcript NM_001261826.3 (MANE Select); coding-DNA position 1896, G replaced by A.
Protein change: p.Ser632=; no amino-acid change (serine 632 retained).
Molecular consequence: synonymous variant.
Genome position (GRCh38, 1-based): chr19:2,116,710, C>T on the plus strand (G>A on the coding strand, the complement: AP3D1 is on the minus strand). VCF-style: chr19-2116710-C-T. GRCh37 (hg19) VCF-style: chr19-2116709-C-T.
Other names: c.1896G>A, p.Ser632= (NM_001374799.1, NM_003938.8); c.1896G>A (NM_001261826.1).
Identifiers: ClinVar variation 2912525 (VCV002912525.4), dbSNP rs377692892, ClinGen allele CA9059132.
Genomic context (GRCh38, chr19:2,116,710, plus strand): 5'-ACGCCGCTGCTCCTCCTCGTGGAAGACGGCCCTGGGCCTCTCGTCCTCTGACTCGCTGTC[C>T]GAGAGTGGCTCATTGATCCAGGCGTCCAGGTCCAGGCTGCACCGGACAGGAGGGCCACAC-3'
Protein context (NP_001248755.1, residues 622-642): DLDAWINEPL[Ser632=]DSESEDERPR

ClinVar aggregate classification (germline): Likely benign. Review status: criteria provided, multiple submitters, no conflicts (2 of 4 stars). 2 submissions from 2 submitters: Likely benign (2). Last evaluated 2026-01-27.

Conditions:
AP3D1-related disorder. Also called: AP3D1-related condition.

Allele frequency attached by ClinVar (database versions not stated): gnomAD 0.00005; ESP Exome Variant Server 0.00008; TOPMed 0.00002.
gnomAD v4.1: 50 of 1,611,702 alleles (0.0031%); highest among the groups gnomAD compares: Admixed American, 0.005%; no homozygotes.

Submissions (2):

Labcorp Genetics (formerly Invitae), Labcorp
Classification: Likely benign. Last evaluated: 2026-01-27. Review status: criteria provided, single submitter. Criteria: Invitae Variant Classification Sherloc (09022015). Collection method: clinical testing. Allele origin: germline.

PreventionGenetics, part of Exact Sciences
Classification: Likely benign for AP3D1-related condition. Last evaluated: 2025-08-04. Review status: criteria provided, single submitter. Criteria: ACMG Guidelines, 2015. Collection method: clinical testing. Allele origin: germline.
Comment: This variant is classified as likely benign based on ACMG/AMP sequence variant interpretation guidelines (Richards et al. 2015 PMID: 25741868, with internal and published modifications).